The following is an entry in ClinVar:

NM_000264.5(PTCH1):c.245A>G (p.Lys82Arg)

Gene: PTCH1 (patched 1; minus strand). Cytogenetic location: 9q22.32.
Variant type: single nucleotide variant.
Coding change: c.245A>G on transcript NM_000264.5 (MANE Select); coding-DNA position 245, A replaced by G.
Protein change: p.Lys82Arg; replaces lysine 82 with arginine.
Molecular consequence: missense variant. On other transcripts: 5 prime UTR variant (4), non-coding transcript variant (1).
Genome position (GRCh38, 1-based): chr9:95,506,556, T>C on the plus strand (A>G on the coding strand, the complement: PTCH1 is on the minus strand). VCF-style: chr9-95506556-T-C. GRCh37 (hg19) VCF-style: chr9-98268838-T-C.
Other names: c.47A>G, p.Lys16Arg (NM_001083602.3, NM_001354919.2); c.242A>G, p.Lys81Arg (NM_001083603.3); c.-209A>G (NM_001083604.3, NM_001083605.3, NM_001083606.3 and 1 more transcripts); c.245A>G, p.Lys82Arg (NM_001354918.2); short protein forms K82R, K81R, K16R.
Identifiers: ClinVar variation 665747 (VCV000665747.10), dbSNP rs1587693690, ClinGen allele CA374120565.

ClinVar aggregate classification (germline): Uncertain significance. Review status: criteria provided, multiple submitters, no conflicts (2 of 4 stars). 2 submissions from 2 submitters: Uncertain significance (2). Last evaluated 2025-04-17.

Conditions:
Gorlin syndrome. Also called: Nevoid Basal Cell Carcinoma Syndrome; Basal cell nevus syndrome. Identifiers: Orphanet 377, MedGen C0004779, MONDO:0007187.
Hereditary cancer-predisposing syndrome. Also called: Neoplastic Syndromes, Hereditary; Hereditary neoplastic syndrome; Tumor predisposition; Hereditary Cancer Syndrome. Identifiers: Orphanet 140162, MedGen C0027672, MeSH D009386, MONDO:0015356.

Submissions (2):

Ambry Genetics
Classification: Uncertain significance for Hereditary cancer-predisposing syndrome. Last evaluated: 2025-04-17. Review status: criteria provided, single submitter. Criteria: Ambry Variant Classification Scheme 2023. Collection method: clinical testing. Allele origin: germline.
Comment: The p.K82R variant (also known as c.245A>G), located in coding exon 2 of the PTCH1 gene, results from an A to G substitution at nucleotide position 245. The lysine at codon 82 is replaced by arginine, an amino acid with highly similar properties. This amino acid position is conserved. In addition, the in silico prediction for this alteration is inconclusive. Based on the available evidence, the clinical significance of this variant remains unclear.

Labcorp Genetics (formerly Invitae), Labcorp
Classification: Uncertain significance for Gorlin syndrome. Last evaluated: 2018-10-18. Review status: criteria provided, single submitter. Criteria: Invitae Variant Classification Sherloc (09022015). Collection method: clinical testing. Allele origin: germline.
Comment: This sequence change replaces lysine with arginine at codon 82 of the PTCH1 protein (p.Lys82Arg). The lysine residue is weakly conserved and there is a small physicochemical difference between lysine and arginine. This variant is not present in population databases (ExAC no frequency). This variant has not been reported in the literature in individuals with PTCH1-related disease. Algorithms developed to predict the effect of missense changes on protein structure and function (SIFT, PolyPhen-2, Align-GVGD) all suggest that this variant is likely to be tolerated, but these predictions have not been confirmed by published functional studies and their clinical significance is uncertain. In summary, the available evidence is currently insufficient to determine the role of this variant in disease. Therefore, it has been classified as a Variant of Uncertain Significance.